The following is an entry in ClinVar:

ClinVar aggregate classification (germline): Uncertain significance. Review status: criteria provided, multiple submitters, no conflicts (2 of 4 stars). 2 submissions from 2 submitters: Uncertain significance (2). Last evaluated 2023-11-23.

Submissions (2):

Blueprint Genetics
Classification: Uncertain significance. Last evaluated: 2023-11-23. Review status: criteria provided, single submitter. Criteria: ACMG Guidelines, 2015. Collection method: clinical testing. Allele origin: germline.

Labcorp Genetics (formerly Invitae), Labcorp
Classification: Uncertain significance. Last evaluated: 2019-09-27. Review status: criteria provided, single submitter. Criteria: Invitae Variant Classification Sherloc (09022015). Collection method: clinical testing. Allele origin: germline.
Comment: This sequence change replaces proline with serine at codon 396 of the PRDM13 protein (p.Pro396Ser). The proline residue is moderately conserved and there is a moderate physicochemical difference between proline and serine. In summary, the available evidence is currently insufficient to determine the role of this variant in disease. Therefore, it has been classified as a Variant of Uncertain Significance. Algorithms developed to predict the effect of missense changes on protein structure and function (SIFT, PolyPhen-2, Align-GVGD) all suggest that this variant is likely to be tolerated, but these predictions have not been confirmed by published functional studies and their clinical significance is uncertain. This variant has not been reported in the literature in individuals with PRDM13-related conditions. The frequency data for this variant in the population databases is considered unreliable, as metrics indicate insufficient coverage at this position in the ExAC database.

NM_021620.4(PRDM13):c.1186C>T (p.Pro396Ser)

Gene: PRDM13 (PR/SET domain 13; plus strand). Cytogenetic location: 6q16.2.
Variant type: single nucleotide variant.
Coding change: c.1186C>T on transcript NM_021620.4 (MANE Select); coding-DNA position 1186, C replaced by T.
Protein change: p.Pro396Ser; replaces proline 396 with serine.
Molecular consequence: missense variant.
Genome position (GRCh38, 1-based): chr6:99,613,821, C>T. VCF-style: chr6-99613821-C-T. GRCh37 (hg19) VCF-style: chr6-100061697-C-T.
Other names: short protein forms P396S.
Identifiers: ClinVar variation 953312 (VCV000953312.10), dbSNP rs963340489, ClinGen allele CA365117883.
Genomic context (GRCh38, chr6:99,613,821, plus strand): 5'-CCGCCGCCTGGCCTGCCCTGCTCTGGGGCCCTGCGCGGCTTCCCTCTGCTCTCCGTCCCC[C>T]CGGAAGAGGCGTCCGCCTTCAAGCACGTGGAGCGCGCCCCGCCCGCAGCCGCCGCGCTGC-3'
Protein context (NP_067633.2, residues 386-406): LRGFPLLSVP[Pro396Ser]EEASAFKHVE